The following is an entry in ClinVar:

ClinVar aggregate classification (germline): Uncertain significance. Review status: criteria provided, single submitter (1 of 4 stars). 2 submissions from 2 submitters: Uncertain significance (1). 1 of the submissions does not count toward it. Last evaluated 2024-12-26.

Conditions:
Multiple epiphyseal dysplasia. Also called: Multiple epiphyseal dysplasia (disease). Identifiers: Orphanet 251, MedGen C0026760, MONDO:0016648, HP:0002654.

Submissions (2):

GeneDx
Classification: Uncertain significance. Last evaluated: 2024-12-26. Review status: criteria provided, single submitter. Criteria: GeneDx Variant Classification Process June 2021. Collection method: clinical testing. Allele origin: germline. Affected: yes.
Comment: Not observed at significant frequency in large population cohorts (gnomAD); In silico analysis supports that this missense variant has a deleterious effect on protein structure/function; This variant is associated with the following publications: (PMID: 20301302, 15756302)

GeneReviews
No classification provided. Condition: Multiple epiphyseal dysplasia. Review status: no classification provided. Collection method: literature only. Allele origin: germline. Not counted in ClinVar's aggregate classification.

Literature cited by the submitters: NCBI Bookshelf NBK1123 (cited by GeneReviews).

NM_000095.3(COMP):c.1813G>A (p.Asp605Asn)

Gene: COMP (cartilage oligomeric matrix protein; minus strand). Cytogenetic location: 19p13.11.
Variant type: single nucleotide variant.
Coding change: c.1813G>A on transcript NM_000095.3 (MANE Select); coding-DNA position 1813, G replaced by A.
Protein change: p.Asp605Asn; replaces aspartic acid 605 with asparagine.
Molecular consequence: missense variant.
Genome position (GRCh38, 1-based): chr19:18,784,997, C>T on the plus strand (G>A on the coding strand, the complement: COMP is on the minus strand). VCF-style: chr19-18784997-C-T. GRCh37 (hg19) VCF-style: chr19-18895807-C-T.
Other names: short protein forms D605N.
Identifiers: ClinVar variation 65555 (VCV000065555.6), dbSNP rs397515512, ClinGen allele CA344888.